The following is an entry in ClinVar:

NM_000260.4(MYO7A):c.1261C>A (p.Pro421Thr)

Gene: MYO7A (myosin VIIA; plus strand). Cytogenetic location: 11q13.5.
Variant type: single nucleotide variant.
Coding change: c.1261C>A on transcript NM_000260.4 (MANE Select); coding-DNA position 1261, C replaced by A.
Protein change: p.Pro421Thr; replaces proline 421 with threonine.
Molecular consequence: missense variant.
Genome position (GRCh38, 1-based): chr11:77,161,033, C>A. VCF-style: chr11-77161033-C-A. GRCh37 (hg19) VCF-style: chr11-76872079-C-A.
Other names: c.1261C>A, p.Pro421Thr (NM_001127180.2); c.1228C>A, p.Pro410Thr (NM_001369365.1); short protein forms P410T, P421T.
Identifiers: ClinVar variation 1715156 (VCV001715156.5), dbSNP rs2496845025, ClinGen allele CA381934993.
Genomic context (GRCh38, chr11:77,161,033, plus strand): 5'-GGGATCTACGGGCGGCTGTTCGTGTGGATTGTGGACAAGATCAACGCAGCAATTTACAAG[C>A]CTCCCTCCCAGGATGTGAAGAACTCTCGCAGGTCCATCGGCCTCCTGGACATCTTTGGGT-3'
Protein context (NP_000251.3, residues 411-431): VDKINAAIYK[Pro421Thr]PSQDVKNSRR

ClinVar aggregate classification (germline): Uncertain significance (1 of 4 stars; one submission).

Allele frequency attached by ClinVar (database versions not stated): gnomAD exomes below 0.00001.
gnomAD v4.1: 3 of 1,613,606 alleles (0.00019%); highest among the groups gnomAD compares: East Asian, 0.0022%; no homozygotes.

Submission:

Labcorp Genetics (formerly Invitae), Labcorp
Classification: Uncertain significance. Last evaluated: 2022-08-05. Review status: criteria provided, single submitter. Criteria: Invitae Variant Classification Sherloc (09022015). Collection method: clinical testing. Allele origin: germline.
Comment: In summary, the available evidence is currently insufficient to determine the role of this variant in disease. Therefore, it has been classified as a Variant of Uncertain Significance. Advanced modeling of protein sequence and biophysical properties (such as structural, functional, and spatial information, amino acid conservation, physicochemical variation, residue mobility, and thermodynamic stability) performed at Invitae indicates that this missense variant is not expected to disrupt MYO7A protein function. This variant has not been reported in the literature in individuals affected with MYO7A-related conditions. This variant is not present in population databases (gnomAD no frequency). This sequence change replaces proline, which is neutral and non-polar, with threonine, which is neutral and polar, at codon 421 of the MYO7A protein (p.Pro421Thr).